The following is an entry in ClinVar:

ClinVar aggregate classification (germline): Likely pathogenic (1 of 4 stars; one submission).

Conditions:
Charcot-Marie-Tooth disease type 2B1 (CMT2B1). Also called: CHARCOT-MARIE-TOOTH DISEASE, NEURONAL, TYPE 2B1; Charcot-Marie-Tooth Neuropathy Type 2B1; Charcot-marie-tooth disease, axonal, type 2b1. Identifiers: Orphanet 98856, MedGen C1854154, MONDO:0011569, OMIM 605588.
Mandibuloacral dysplasia with type A lipodystrophy (MADA). Also called: CRANIOMANDIBULAR DERMATODYSOSTOSIS; LIPODYSTROPHY, TYPE A, ASSOCIATED WITH MANDIBULOACRAL DYSPLASIA. Identifiers: Orphanet 2457, Orphanet 90153, MedGen C5399785, MONDO:0009557, OMIM 248370.
Emery-Dreifuss muscular dystrophy 3, autosomal recessive (EDMD3). Identifiers: Orphanet 261, Orphanet 98855, MedGen C2750035, MONDO:0014676, OMIM 616516.

gnomAD v4.1: 2 of 1,614,022 alleles (0.00012%); highest among the groups gnomAD compares: Non-Finnish European, 0.000085%; no homozygotes.

Submission:

Kariminejad - Najmabadi Pathology & Genetics Center
Classification: Likely pathogenic for Charcot-Marie-Tooth disease type 2B1; Emery-Dreifuss muscular dystrophy 3, autosomal recessive; Mandibuloacral dysplasia with type A lipodystrophy. Last evaluated: 2022-07-17. Review status: criteria provided, single submitter. Criteria: ACMG Guidelines, 2015. Collection method: clinical testing. Allele origin: germline. Inheritance: Autosomal recessive inheritance. Affected: yes.
Comment: PM2, PM1, PP2, PP3, PM5

NM_170707.4(LMNA):c.1004G>C (p.Arg335Pro)

Gene: LMNA (lamin A/C; plus strand). Cytogenetic location: 1q22.
Variant type: single nucleotide variant.
Coding change: c.1004G>C on transcript NM_170707.4 (MANE Select); coding-DNA position 1004, G replaced by C.
Protein change: p.Arg335Pro; replaces arginine 335 with proline.
Molecular consequence: missense variant.
Genome position (GRCh38, 1-based): chr1:156,135,968, G>C. VCF-style: chr1-156135968-G-C. GRCh37 (hg19) VCF-style: chr1-156105759-G-C.
Other names: c.668G>C, p.Arg223Pro (NM_001257374.3, NM_001406989.1, NM_001406998.1); c.761G>C, p.Arg254Pro (NM_001282624.2, NM_001406986.1, NM_001406987.1); c.1004G>C, p.Arg335Pro (NM_001282625.2, NM_001282626.2, NM_001406983.1 and 6 more transcripts); c.707G>C, p.Arg236Pro (NM_001406988.1); c.446G>C, p.Arg149Pro (NM_001406990.1, NM_001406993.1, NM_001406995.1 and 4 more transcripts); c.380G>C, p.Arg127Pro (NM_001406994.1, NM_001406999.1, NM_001407000.1 and 1 more transcripts); short protein forms R127P, R149P, R223P, R236P, R254P, R335P.
Identifiers: ClinVar variation 3896901 (VCV003896901.1).